The following is an entry in ClinVar:

ClinVar aggregate classification (germline): Pathogenic (1 of 4 stars; one submission).

Conditions:
Immunodeficiency 104. Also called: Severe combined immunodeficiency, autosomal recessive, T cell-negative, B cell-positive, NK cell-positive; SCID, AUTOSOMAL RECESSIVE, T CELL-NEGATIVE, B CELL-POSITIVE, NK CELL-POSITIVE; IMMUNODEFICIENCY 104, SEVERE COMBINED; Severe Combined Immune Deficiency, Autosomal Recessive, TCell -Negative, B Cell-Positive, NK Cell-Positive, IL7R-Related. Identifiers: MedGen C5676890, MONDO:0012163, OMIM 608971.

Submission:

Labcorp Genetics (formerly Invitae), Labcorp
Classification: Pathogenic for Immunodeficiency 104. Last evaluated: 2026-01-28. Review status: criteria provided, single submitter. Criteria: Invitae Variant Classification Sherloc (09022015). Collection method: clinical testing. Allele origin: germline.
Comment: This sequence change creates a premature translational stop signal (p.Ala76Profs*5) in the IL7R gene. It is expected to result in an absent or disrupted protein product. Loss-of-function variants in IL7R are known to be pathogenic (PMID: 21664875, 26123418). This variant is not present in population databases (gnomAD no frequency). This variant has not been reported in the literature in individuals affected with IL7R-related conditions. For these reasons, this variant has been classified as Pathogenic.

Literature cited by the submitters: PubMed 21664875; PubMed 26123418.

NM_002185.5(IL7R):c.226del (p.Ala76fs)

Gene: IL7R (interleukin 7 receptor; plus strand). Cytogenetic location: 5p13.2.
Variant type: Deletion.
Coding change: c.226del on transcript NM_002185.5 (MANE Select); coding-DNA position 226, one base deleted (G; older notation c.226delG).
Protein change: p.Ala76fs; shifts the reading frame from alanine 76.
Molecular consequence: frameshift variant. On other transcripts: non-coding transcript variant (1).
Genome position (GRCh38, 1-based): chr5:35,867,310, G deleted; the last of 4 consecutive G bases (chr5:35,867,307-35,867,310); deleting any one gives the same sequence. VCF-style (leftmost placement, unchanged base first): chr5-35867306-TG-T. GRCh37 (hg19) VCF-style: chr5-35867408-TG-T.
Other names: c.226del, p.Ala76fs (NM_001410734.1, NM_001437963.1, NM_001437964.1); short protein forms A76fs.
Identifiers: ClinVar variation 4726225 (VCV004726225.1).